The following is an entry in ClinVar:

ClinVar aggregate classification (germline): Uncertain significance (1 of 4 stars; one submission).

Conditions:
Hereditary cancer-predisposing syndrome. Also called: Tumor predisposition; Hereditary neoplastic syndrome; Hereditary Cancer Syndrome; Neoplastic Syndromes, Hereditary. Identifiers: Orphanet 140162, MedGen C0027672, MeSH D009386, MONDO:0015356.

Submission:

Ambry Genetics
Classification: Uncertain significance for Hereditary cancer-predisposing syndrome. Last evaluated: 2024-01-29. Review status: criteria provided, single submitter. Criteria: Ambry Variant Classification Scheme 2023. Collection method: clinical testing. Allele origin: germline.
Comment: The p.P352S variant (also known as c.1054C>T), located in coding exon 11 of the BAP1 gene, results from a C to T substitution at nucleotide position 1054. The proline at codon 352 is replaced by serine, an amino acid with similar properties. This amino acid position is conserved. In addition, the in silico prediction for this alteration is inconclusive. Based on the available evidence, the clinical significance of this alteration remains unclear.

NM_004656.4(BAP1):c.1054C>T (p.Pro352Ser)

Gene: BAP1 (BRCA1 associated deubiquitinase 1; minus strand). Cytogenetic location: 3p21.1.
Variant type: single nucleotide variant.
Coding change: c.1054C>T on transcript NM_004656.4 (MANE Select); coding-DNA position 1054, C replaced by T.
Protein change: p.Pro352Ser; replaces proline 352 with serine.
Molecular consequence: missense variant.
Genome position (GRCh38, 1-based): chr3:52,405,172, G>A on the plus strand (C>T on the coding strand, the complement: BAP1 is on the minus strand). VCF-style: chr3-52405172-G-A. GRCh37 (hg19) VCF-style: chr3-52439188-G-A.
Other names: c.1000C>T, p.Pro334Ser (NM_001410772.1); short protein forms P334S, P352S.
Identifiers: ClinVar variation 3224421 (VCV003224421.1), dbSNP rs2153227028, ClinGen allele CA353105710.
Genomic context (GRCh38, chr3:52,405,172, plus strand): 5'-GCATGGGGGACTTGGCATAATTGTGATTGTCTAGAAAGGCCGGCAGCCGCTGGACAATGG[G>A]AGTGGGGTTGGGGTGAACCCCATTGAGGCTGCTGCCTGGAGGCTTCACCACTAGCTTGGG-3'
Protein context (NP_004647.1, residues 342-362): SLNGVHPNPT[Pro352Ser]IVQRLPAFLD